The following is an entry in ClinVar:

ClinVar aggregate classification (germline): Uncertain significance (1 of 4 stars; one submission).

Conditions:
Inborn genetic diseases. Identifiers: MedGen C0950123, MeSH D030342.

Submission:

Ambry Genetics
Classification: Uncertain significance for Inborn genetic diseases. Last evaluated: 2025-08-14. Review status: criteria provided, single submitter. Criteria: Ambry Variant Classification Scheme 2023. Collection method: clinical testing. Allele origin: germline.
Comment: The p.S405C variant (also known as c.1214C>G), located in coding exon 14 of the RTEL1 gene, results from a C to G substitution at nucleotide position 1214. The serine at codon 405 is replaced by cysteine, an amino acid with dissimilar properties. This amino acid position is conserved. In addition, this alteration is predicted to be tolerated by in silico analysis. Based on the available evidence, the clinical significance of this variant remains unclear.

NM_001283009.2(RTEL1):c.1214C>G (p.Ser405Cys)

Genes: RTEL1 (regulator of telomere elongation helicase 1; plus strand), RTEL1-TNFRSF6B (RTEL1-TNFRSF6B readthrough (NMD candidate); plus strand). Cytogenetic location: 20q13.33.
Variant type: single nucleotide variant.
Coding change: c.1214C>G on transcript NM_001283009.2 (MANE Select); coding-DNA position 1214, C replaced by G.
Protein change: p.Ser405Cys; replaces serine 405 with cysteine.
Molecular consequence: missense variant. On other transcripts: non-coding transcript variant (1).
Genome position (GRCh38, 1-based): chr20:63,685,545, C>G. VCF-style: chr20-63685545-C-G. GRCh37 (hg19) VCF-style: chr20-62316898-C-G.
Other names: c.545C>G, p.Ser182Cys (NM_001283010.1); c.1214C>G, p.Ser405Cys (NM_016434.4); c.1286C>G, p.Ser429Cys (NM_032957.5); short protein forms S182C, S405C, S429C.
Identifiers: ClinVar variation 4157666 (VCV004157666.1).
Genomic context (GRCh38, chr20:63,685,545, plus strand): 5'-CAGGCTCCTGACGGGGCTGCACTTCCTCTGCCTTTCAGATTGTGTTCAGTGTGGACCCCT[C>G]CGAGGGCAGCCCTGGTTCCCCAGCAGGGCTGGGGGCCTTACAGTCCTATAAGGTAGGGGC-3'
Protein context (NP_001269938.1, residues 395-415): IIQIVFSVDP[Ser405Cys]EGSPGSPAGL